The following is an entry in ClinVar:

ClinVar aggregate classification (germline): Uncertain significance (1 of 4 stars; one submission).

Conditions:
Catecholaminergic polymorphic ventricular tachycardia 1. Also called: RYR2-Related Catecholaminergic Polymorphic Ventricular Tachycardia; VENTRICULAR TACHYCARDIA, CATECHOLAMINERGIC POLYMORPHIC, 1, WITH OR WITHOUT ATRIAL DYSFUNCTION AND/OR DILATED CARDIOMYOPATHY; VENTRICULAR TACHYCARDIA, STRESS-INDUCED POLYMORPHIC 1. Identifiers: Orphanet 3286, MedGen C1631597, MONDO:0011484, OMIM 604772.

Allele frequency attached by ClinVar (database versions not stated): gnomAD exomes below 0.00001.
gnomAD v4.1: 1 of 1,613,918 alleles (0.000062%); highest among the groups gnomAD compares: Non-Finnish European, 0.000085%; no homozygotes.

Submission:

Labcorp Genetics (formerly Invitae), Labcorp
Classification: Uncertain significance for Catecholaminergic polymorphic ventricular tachycardia 1. Last evaluated: 2023-06-24. Review status: criteria provided, single submitter. Criteria: Invitae Variant Classification Sherloc (09022015). Collection method: clinical testing. Allele origin: germline.
Comment: In summary, the available evidence is currently insufficient to determine the role of this variant in disease. Therefore, it has been classified as a Variant of Uncertain Significance. This sequence change replaces glutamic acid, which is acidic and polar, with glycine, which is neutral and non-polar, at codon 2349 of the RYR2 protein (p.Glu2349Gly). This variant is present in population databases (no rsID available, gnomAD 0.0009%). This variant has not been reported in the literature in individuals affected with RYR2-related conditions. Advanced modeling of protein sequence and biophysical properties (such as structural, functional, and spatial information, amino acid conservation, physicochemical variation, residue mobility, and thermodynamic stability) has been performed at Invitae for this missense variant, however the output from this modeling did not meet the statistical confidence thresholds required to predict the impact of this variant on RYR2 protein function.

NM_001035.3(RYR2):c.7046A>G (p.Glu2349Gly)

Gene: RYR2 (ryanodine receptor 2; plus strand). Cytogenetic location: 1q43.
Variant type: single nucleotide variant.
Coding change: c.7046A>G on transcript NM_001035.3 (MANE Select); coding-DNA position 7046, A replaced by G.
Protein change: p.Glu2349Gly; replaces glutamic acid 2349 with glycine.
Molecular consequence: missense variant.
Genome position (GRCh38, 1-based): chr1:237,639,132, A>G. VCF-style: chr1-237639132-A-G. GRCh37 (hg19) VCF-style: chr1-237802432-A-G.
Other names: short protein forms E2349G.
Identifiers: ClinVar variation 2727155 (VCV002727155.3), dbSNP rs1402587200, ClinGen allele CA345395972.